The following is an entry in ClinVar:

ClinVar aggregate classification (germline): Pathogenic (1 of 4 stars; one submission).

Submission:

GeneDx
Classification: Pathogenic. Last evaluated: 2014-05-08. Review status: criteria provided, single submitter. Criteria: GeneDx Variant Classification (06012015). Collection method: clinical testing. Allele origin: germline. Affected: yes.
Comment: Trp270Stop (TGG>TAG): c.809 G>A in exon 5 of the KCNQ2 gene (NM_172107.2) The W270X nonsense mutation in the KCNQ2 gene is predicted to cause loss of normal protein function through protein truncation or nonsense-mediated decay. A nearby nonsense mutation, W269X, is reported in association with benign infantile epilepsy. Although this mutation has not been reported previously to our knowledge, its presence is consistent with a diagnosis of a KCNQ2-related disorder. The variant is found in EPILEPSY panel(s).

NM_172107.4(KCNQ2):c.809G>A (p.Trp270Ter)

Gene: KCNQ2 (potassium voltage-gated channel subfamily Q member 2; minus strand). Cytogenetic location: 20q13.33.
Variant type: single nucleotide variant.
Coding change: c.809G>A on transcript NM_172107.4 (MANE Select); coding-DNA position 809, G replaced by A.
Protein change: p.Trp270Ter; replaces tryptophan 270 with a stop codon.
Molecular consequence: nonsense.
Genome position (GRCh38, 1-based): chr20:63,442,413, C>T on the plus strand (G>A on the coding strand, the complement: KCNQ2 is on the minus strand). VCF-style: chr20-63442413-C-T. GRCh37 (hg19) VCF-style: chr20-62073766-C-T.
Other names: p.W270*:TGG>TAG; c.809G>A, p.Trp270Ter (NM_004518.6, NM_172106.3, NM_172108.5 and 1 more transcripts); short protein forms W270*.
Identifiers: ClinVar variation 205882 (VCV000205882.2), dbSNP rs796052634, ClinGen allele CA315398.